The following is an entry in ClinVar:

ClinVar aggregate classification (germline): Benign (1 of 4 stars; one submission).

Allele frequency attached by ClinVar (database versions not stated): 1000 Genomes Project 0.00439; 1000 Genomes Project 30x 0.00500; gnomAD 0.00918; TOPMed 0.00927; ESP Exome Variant Server 0.01091; gnomAD exomes 0.01237; ExAC 0.01817.
gnomAD v4.1: 18,749 of 1,561,428 alleles (1.2%); highest among the groups gnomAD compares: Middle Eastern, 1.6%; 141 homozygotes.

Submission:

CeGaT Center for Human Genetics Tuebingen
Classification: Benign. Last evaluated: 2026-09-01. Review status: criteria provided, single submitter. Criteria: CeGaT Center For Human Genetics Tuebingen Variant Classification Criteria Version 2. Collection method: clinical testing. Allele origin: germline. Affected: yes. Observed: 41 variant alleles.
Comment: DDX11: BP4, BS1, BS2

NM_030653.4(DDX11):c.*159G>A

Gene: DDX11 (DEAD/H-box helicase 11; plus strand). Cytogenetic location: 12p11.21.
Variant type: single nucleotide variant.
Coding change: c.*159G>A on transcript NM_030653.4 (MANE Select); 159 bases downstream of the stop codon, G replaced by A.
Molecular consequence: 3 prime UTR variant. On other transcripts: missense variant (6), non-coding transcript variant (4).
Genome position (GRCh38, 1-based): chr12:31,103,995, G>A. VCF-style: chr12-31103995-G-A. GRCh37 (hg19) VCF-style: chr12-31256929-G-A.
Other names: c.2875G>A, p.Val959Ile (NM_001257144.2, NM_001413695.1, NM_001413696.1 and 1 more transcripts); c.*159G>A (NM_001257145.2, NM_001413692.1, NM_001413693.1 and 9 more transcripts); c.2797G>A, p.Val933Ile (NM_001413699.1); c.2014G>A, p.Val672Ile (NM_001413704.1); short protein forms V672I, V933I, V959I.
Identifiers: ClinVar variation 2570823 (VCV002570823.27), dbSNP rs56136512, ClinGen allele CA6502009.